The following is an entry in ClinVar:

NM_000038.6(APC):c.7198G>C (p.Gly2400Arg)

Gene: APC (APC regulator of Wnt signaling pathway; plus strand). Cytogenetic location: 5q22.2.
Variant type: single nucleotide variant.
Coding change: c.7198G>C on transcript NM_000038.6 (MANE Select); coding-DNA position 7198, G replaced by C.
Protein change: p.Gly2400Arg; replaces glycine 2400 with arginine.
Molecular consequence: missense variant.
Genome position (GRCh38, 1-based): chr5:112,842,792, G>C. VCF-style: chr5-112842792-G-C. GRCh37 (hg19) VCF-style: chr5-112178489-G-C.
Other names: c.7198G>C, p.Gly2400Arg (NM_001127510.3, NM_001354895.2, NM_001407450.1); c.7144G>C, p.Gly2382Arg (NM_001127511.3); c.7252G>C, p.Gly2418Arg (NM_001354896.2, NM_001407447.1, NM_001407448.1 and 1 more transcripts); c.7228G>C, p.Gly2410Arg (NM_001354897.2); c.7123G>C, p.Gly2375Arg (NM_001354898.2); c.7114G>C, p.Gly2372Arg (NM_001354899.2); c.7075G>C, p.Gly2359Arg (NM_001354900.2); c.7021G>C, p.Gly2341Arg (NM_001354901.2, NM_001407453.1); and 11 more; short protein forms G2341R, G2375R, G2393R, G2240R, G2309R, G2317R, G2359R, G2382R.
Identifiers: ClinVar variation 1967979 (VCV001967979.5), dbSNP rs2149981956, ClinGen allele CA16037008.
Genomic context (GRCh38, chr5:112,842,792, plus strand): 5'-AAACAAACAGGTTTATCCAAGAATGCCAGTAGTATTCCAAGAAGTGAGTCTGCCTCCAAA[G>C]GACTAAATCAGATGAATAATGGTAATGGAGCCAATAAAAAGGTAGAACTTTCTAGAATGT-3'
Protein context (NP_000029.2, residues 2390-2410): SIPRSESASK[Gly2400Arg]LNQMNNGNGA

ClinVar aggregate classification (germline): Uncertain significance (1 of 4 stars; one submission).

Conditions:
Familial adenomatous polyposis 1 (FAP1). Also called: POLYPOSIS, ADENOMATOUS INTESTINAL; FAMILIAL ADENOMATOUS POLYPOSIS 1, ATTENUATED. Identifiers: MedGen C2713442, MONDO:0021056, OMIM 175100. Disease mechanism: loss of function.

Submission:

Labcorp Genetics (formerly Invitae), Labcorp
Classification: Uncertain significance for Familial adenomatous polyposis 1. Last evaluated: 2023-09-26. Review status: criteria provided, single submitter. Criteria: Invitae Variant Classification Sherloc (09022015). Collection method: clinical testing. Allele origin: germline.
Comment: This variant has not been reported in the literature in individuals affected with APC-related conditions. In summary, the available evidence is currently insufficient to determine the role of this variant in disease. Therefore, it has been classified as a Variant of Uncertain Significance. Advanced modeling of protein sequence and biophysical properties (such as structural, functional, and spatial information, amino acid conservation, physicochemical variation, residue mobility, and thermodynamic stability) performed at Invitae indicates that this missense variant is not expected to disrupt APC protein function. ClinVar contains an entry for this variant (Variation ID: 1967979). This variant is not present in population databases (gnomAD no frequency). This sequence change replaces glycine, which is neutral and non-polar, with arginine, which is basic and polar, at codon 2400 of the APC protein (p.Gly2400Arg).